The following is an entry in ClinVar:

NM_004171.4(SLC1A2):c.1225G>T (p.Ala409Ser)

Gene: SLC1A2 (solute carrier family 1 member 2; minus strand). Cytogenetic location: 11p13.
Variant type: single nucleotide variant.
Coding change: c.1225G>T on transcript NM_004171.4 (MANE Select); coding-DNA position 1225, G replaced by T.
Protein change: p.Ala409Ser; replaces alanine 409 with serine.
Molecular consequence: missense variant.
Genome position (GRCh38, 1-based): chr11:35,286,818, C>A on the plus strand (G>T on the coding strand, the complement: SLC1A2 is on the minus strand). VCF-style: chr11-35286818-C-A. GRCh37 (hg19) VCF-style: chr11-35308365-C-A.
Other names: c.1198G>T, p.Ala400Ser (NM_001195728.3, NM_001252652.2); short protein forms A409S, A400S.
Identifiers: ClinVar variation 2709104 (VCV002709104.3), dbSNP rs1022532582, ClinGen allele CA220498196.

ClinVar aggregate classification (germline): Uncertain significance (1 of 4 stars; one submission).

gnomAD v4.1: 3 of 1,613,776 alleles (0.00019%); highest among the groups gnomAD compares: Non-Finnish European, 0.00025%; no homozygotes.

Submission:

Labcorp Genetics (formerly Invitae), Labcorp
Classification: Uncertain significance. Last evaluated: 2024-01-19. Review status: criteria provided, single submitter. Criteria: Invitae Variant Classification Sherloc (09022015). Collection method: clinical testing. Allele origin: germline.
Comment: This sequence change replaces alanine, which is neutral and non-polar, with serine, which is neutral and polar, at codon 409 of the SLC1A2 protein (p.Ala409Ser). This variant is not present in population databases (gnomAD no frequency). This variant has not been reported in the literature in individuals affected with SLC1A2-related conditions. Advanced modeling of protein sequence and biophysical properties (such as structural, functional, and spatial information, amino acid conservation, physicochemical variation, residue mobility, and thermodynamic stability) performed at Invitae indicates that this missense variant is not expected to disrupt SLC1A2 protein function with a negative predictive value of 80%. In summary, the available evidence is currently insufficient to determine the role of this variant in disease. Therefore, it has been classified as a Variant of Uncertain Significance.